The following is an entry in ClinVar:

ClinVar aggregate classification (germline): Likely benign (1 of 4 stars; one submission).

Conditions:
PLXNA1-related disorder. Also called: PLXNA1-related condition.

Submission:

PreventionGenetics, part of Exact Sciences
Classification: Likely benign for PLXNA1-related condition. Last evaluated: 2026-07-20. Review status: criteria provided, single submitter. Criteria: ACMG Guidelines, 2015. Collection method: clinical testing. Allele origin: germline.
Comment: This variant is classified as likely benign based on ACMG/AMP sequence variant interpretation guidelines (Richards et al. 2015 PMID: 25741868, with internal and published modifications).

NM_032242.4(PLXNA1):c.4923C>A (p.Pro1641=)

Gene: PLXNA1 (plexin A1; plus strand). Cytogenetic location: 3q21.3.
Variant type: single nucleotide variant.
Coding change: c.4923C>A on transcript NM_032242.4 (MANE Select); coding-DNA position 4923, C replaced by A.
Protein change: p.Pro1641=; no amino-acid change (proline 1641 retained).
Molecular consequence: synonymous variant.
Genome position (GRCh38, 1-based): chr3:127,029,926, C>A. VCF-style: chr3-127029926-C-A. GRCh37 (hg19) VCF-style: chr3-126748769-C-A.
Identifiers: ClinVar variation 4995960 (VCV004995960.1).